The following is an entry in ClinVar:

NM_005918.4(MDH2):c.539T>C (p.Phe180Ser)

Gene: MDH2 (malate dehydrogenase 2; plus strand). Cytogenetic location: 7q11.23.
Variant type: single nucleotide variant.
Coding change: c.539T>C on transcript NM_005918.4 (MANE Select); coding-DNA position 539, T replaced by C.
Protein change: p.Phe180Ser; replaces phenylalanine 180 with serine.
Molecular consequence: missense variant. On other transcripts: intron variant (1).
Genome position (GRCh38, 1-based): chr7:76,060,482, T>C. VCF-style: chr7-76060482-T-C. GRCh37 (hg19) VCF-style: chr7-75689800-T-C.
Other names: c.218T>C, p.Phe73Ser (NM_001282404.2); c.429+2404T>C (NM_001282403.2); short protein forms F180S, F73S.
Identifiers: ClinVar variation 2562838 (VCV002562838.2), dbSNP rs1797915734, ClinGen allele CA367765144.
Genomic context (GRCh38, chr7:76,060,482, plus strand): 5'-TGTACAACCCCAACAAAATCTTCGGCGTGACGACCCTGGACATCGTCAGAGCCAACACCT[T>C]TGTTGCAGAGCTGAAGGTAAGGGCGGCGTGGGTGTTGCTCAGGTGACCTTTCTGAACTTC-3'
Protein context (NP_005909.2, residues 170-190): TTLDIVRANT[Phe180Ser]VAELKGLDPA

ClinVar aggregate classification (germline): Uncertain significance (1 of 4 stars; one submission).

Conditions:
Inborn genetic diseases. Identifiers: MedGen C0950123, MeSH D030342.

Submission:

Ambry Genetics
Classification: Uncertain significance for Inborn genetic diseases. Last evaluated: 2023-05-13. Review status: criteria provided, single submitter. Criteria: Ambry Variant Classification Scheme 2023. Collection method: clinical testing. Allele origin: germline.
Comment: The p.F180S variant (also known as c.539T>C), located in coding exon 5 of the MDH2 gene, results from a T to C substitution at nucleotide position 539. The phenylalanine at codon 180 is replaced by serine, an amino acid with highly dissimilar properties. This amino acid position is conserved. In addition, this alteration is predicted to be deleterious by in silico analysis. Since supporting evidence is limited at this time, the clinical significance of this alteration remains unclear.